The following is an entry in ClinVar:

NM_000083.3(CLCN1):c.2155C>G (p.Leu719Val)

Gene: CLCN1 (chloride voltage-gated channel 1; plus strand). Cytogenetic location: 7q34.
Variant type: single nucleotide variant.
Coding change: c.2155C>G on transcript NM_000083.3 (MANE Select); coding-DNA position 2155, C replaced by G.
Protein change: p.Leu719Val; replaces leucine 719 with valine.
Molecular consequence: missense variant. On other transcripts: non-coding transcript variant (1).
Genome position (GRCh38, 1-based): chr7:143,345,745, C>G. VCF-style: chr7-143345745-C-G. GRCh37 (hg19) VCF-style: chr7-143042838-C-G.
Other names: short protein forms L719V.
Identifiers: ClinVar variation 3754135 (VCV003754135.2).

ClinVar aggregate classification (germline): Uncertain significance (1 of 4 stars; one submission).

Conditions:
Congenital myotonia, autosomal dominant form (THD). Also called: THOMSEN DISEASE; Myotonia congenita autosomal dominant. Identifiers: Orphanet 614, MedGen C2936781, MONDO:0008055, OMIM 160800.
Congenital myotonia, autosomal recessive form. Also called: Becker Generalized Myotonia; myotonia congenita, autosomal recessive; BECKER DISEASE. Identifiers: Orphanet 614, MedGen C0751360, MONDO:0009715, OMIM 255700.

Submission:

Labcorp Genetics (formerly Invitae), Labcorp
Classification: Uncertain significance for Congenital myotonia, autosomal recessive form; Congenital myotonia, autosomal dominant form. Last evaluated: 2024-09-03. Review status: criteria provided, single submitter. Criteria: Invitae Variant Classification Sherloc (09022015). Collection method: clinical testing. Allele origin: germline.
Comment: This sequence change replaces leucine, which is neutral and non-polar, with valine, which is neutral and non-polar, at codon 719 of the CLCN1 protein (p.Leu719Val). This variant is not present in population databases (gnomAD no frequency). This variant has not been reported in the literature in individuals affected with CLCN1-related conditions. Invitae Evidence Modeling of protein sequence and biophysical properties (such as structural, functional, and spatial information, amino acid conservation, physicochemical variation, residue mobility, and thermodynamic stability) indicates that this missense variant is not expected to disrupt CLCN1 protein function with a negative predictive value of 95%. In summary, the available evidence is currently insufficient to determine the role of this variant in disease. Therefore, it has been classified as a Variant of Uncertain Significance.